The following is an entry in ClinVar:

NM_000535.7(PMS2):c.*17G>C

Gene: PMS2 (PMS1 homolog 2, mismatch repair system component; minus strand). Cytogenetic location: 7p22.1.
Variant type: single nucleotide variant.
Coding change: c.*17G>C on transcript NM_000535.7 (MANE Select); 17 bases downstream of the stop codon, G replaced by C.
Molecular consequence: 3 prime UTR variant. On other transcripts: non-coding transcript variant (1).
Genome position (GRCh38, 1-based): chr7:5,973,382, C>G on the plus strand (G>C on the coding strand, the complement: PMS2 is on the minus strand). VCF-style: chr7-5973382-C-G. GRCh37 (hg19) VCF-style: chr7-6013013-C-G.
Other names: c.*17G>C (NM_001322003.2, NM_001322004.2, NM_001322005.2 and 10 more transcripts).
Identifiers: ClinVar variation 91277 (VCV000091277.40), dbSNP rs556089649, ClinGen allele CA010268.

ClinVar aggregate classification (germline): Benign. Review status: reviewed by expert panel (3 of 4 stars). 14 submissions from 14 submitters: Benign (1). 13 of the submissions do not count toward it. Last evaluated 2013-09-05.

Conditions:
Lynch syndrome. Identifiers: Orphanet 144, MedGen C4552100, MONDO:0005835. Disease mechanism: loss of function.
Hereditary cancer-predisposing syndrome. Also called: Neoplastic Syndromes, Hereditary; Hereditary Cancer Syndrome; Tumor predisposition; Hereditary neoplastic syndrome. Identifiers: Orphanet 140162, MedGen C0027672, MeSH D009386, MONDO:0015356.
Lynch syndrome 4 (LYNCH4). Also called: Hereditary non-polyposis colorectal cancer, type 4; Colorectal cancer, hereditary nonpolyposis, type 4. Identifiers: Orphanet 144, MedGen C1838333, MONDO:0013699, OMIM 614337. Disease mechanism: loss of function.
Breast and/or ovarian cancer. Identifiers: MedGen CN221562.

Allele frequency attached by ClinVar (database versions not stated): ExAC 0.00003; gnomAD exomes 0.00004; 1000 Genomes Project 0.00020.

Submissions (14):

International Society for Gastrointestinal Hereditary Tumours (InSiGHT)
Classification: Benign for Lynch Syndrome. Last evaluated: 2013-09-05. Review status: reviewed by expert panel. Criteria: Guidelines v1.9. Collection method: research. Allele origin: germline.
Comment: MAF >1%

Classified with v1.9 guidelines
ClinVar note: Converted during submission from no known pathogenicity to Benign.

ARUP Laboratories, Molecular Genetics and Genomics, ARUP Laboratories
Classification: Benign. Last evaluated: 2025-07-30. Review status: criteria provided, single submitter. Criteria: ARUP Molecular Germline Variant Investigation Process 2024. Collection method: clinical testing. Allele origin: germline. Not counted in ClinVar's aggregate classification.

GeneKor MSA
Classification: Benign for Lynch syndrome. Last evaluated: 2025-07-10. Review status: criteria provided, single submitter. Criteria: ACMG Guidelines, 2015. Collection method: clinical testing. Allele origin: germline. Not counted in ClinVar's aggregate classification.

Center for Genomic Medicine, Rigshospitalet, Copenhagen University Hospital
Classification: Benign. Last evaluated: 2025-03-04. Review status: criteria provided, single submitter. Criteria: ACMG Guidelines, 2015. Collection method: clinical testing. Allele origin: germline. Not counted in ClinVar's aggregate classification.

Blueprint Genetics
Classification: Likely benign. Last evaluated: 2024-11-15. Review status: criteria provided, single submitter. Criteria: ACMG Guidelines, 2015. Collection method: clinical testing. Allele origin: germline. Not counted in ClinVar's aggregate classification.

Department of Pathology and Laboratory Medicine, Sinai Health System
Classification: Benign for Lynch syndrome. Last evaluated: 2023-10-26. Review status: criteria provided, single submitter. Criteria: ACMG Guidelines, 2015. Collection method: clinical testing. Allele origin: germline. Affected: yes. Not counted in ClinVar's aggregate classification.

CHEO Genetics Diagnostic Laboratory, Children's Hospital of Eastern Ontario
Classification: Likely benign for Breast and/or ovarian cancer. Last evaluated: 2021-04-21. Review status: criteria provided, single submitter. Criteria: ACMG Guidelines, 2015. Collection method: clinical testing. Allele origin: germline. Not counted in ClinVar's aggregate classification.

Illumina Laboratory Services, Illumina
Classification: Uncertain significance for Lynch syndrome 4. Last evaluated: 2018-01-13. Review status: criteria provided, single submitter. Criteria: ICSL Variant Classification Criteria 13 December 2019. Collection method: clinical testing. Allele origin: germline. Not counted in ClinVar's aggregate classification.

Clinical Genetics DNA and cytogenetics Diagnostics Lab, Erasmus MC, Erasmus Medical Center
Classification: Likely benign for Lynch syndrome 4. Last evaluated: 2017-05-31. Review status: criteria provided, single submitter. Criteria: ACGS Guidelines, 2013. Collection method: clinical testing. Allele origin: germline. Affected: yes. Study: VKGL Data-share Consensus. Not counted in ClinVar's aggregate classification.

Ambry Genetics
Classification: Benign for Hereditary cancer-predisposing syndrome. Last evaluated: 2014-11-18. Review status: criteria provided, single submitter. Criteria: Ambry Variant Classification Scheme 2023. Collection method: clinical testing. Allele origin: germline. Not counted in ClinVar's aggregate classification.

Eurofins Ntd Llc (ga)
Classification: Benign. Last evaluated: 2014-06-24. Review status: criteria provided, single submitter. Criteria: EGL Classification Definitions 2015. Collection method: clinical testing. Allele origin: germline. Observed: 15 variant alleles, 13 heterozygotes, 2 homozygotes. Not counted in ClinVar's aggregate classification.

PreventionGenetics, part of Exact Sciences
Classification: Benign. Review status: criteria provided, single submitter. Criteria: ACMG Guidelines, 2015. Collection method: clinical testing. Allele origin: germline. Not counted in ClinVar's aggregate classification.

Diagnostic Laboratory, Department of Genetics, University Medical Center Groningen
Classification: Benign for Lynch syndrome 4. Review status: no assertion criteria provided. Collection method: clinical testing. Allele origin: germline. Affected: yes. Study: VKGL Data-share Consensus. Not counted in ClinVar's aggregate classification.

Joint Genome Diagnostic Labs from Nijmegen and Maastricht, Radboudumc and MUMC+
Classification: Benign. Review status: no assertion criteria provided. Collection method: clinical testing. Allele origin: germline. Affected: yes. Study: VKGL Data-share Consensus. Not counted in ClinVar's aggregate classification.